The following is an entry in ClinVar:

NM_000257.4(MYH7):c.4238C>A (p.Ser1413Ter)

Gene: MYH7 (myosin heavy chain 7; minus strand). Cytogenetic location: 14q11.2.
Variant type: single nucleotide variant.
Coding change: c.4238C>A on transcript NM_000257.4 (MANE Select); coding-DNA position 4238, C replaced by A.
Protein change: p.Ser1413Ter; replaces serine 1413 with a stop codon.
Molecular consequence: nonsense.
Genome position (GRCh38, 1-based): chr14:23,417,618, G>T on the plus strand (C>A on the coding strand, the complement: MYH7 is on the minus strand). VCF-style: chr14-23417618-G-T. GRCh37 (hg19) VCF-style: chr14-23886827-G-T.
Other names: short protein forms S1413*.
Identifiers: ClinVar variation 454376 (VCV000454376.8), dbSNP rs730880796, ClinGen allele CA257813292.

ClinVar aggregate classification (germline): Uncertain significance. Review status: criteria provided, multiple submitters, no conflicts (2 of 4 stars). 3 submissions from 3 submitters: Uncertain significance (3). Last evaluated 2025-09-11.

Conditions:
Cardiomyopathy (CMYO). Also called: Cardiomyopathies. Identifiers: Orphanet 167848, MedGen C0878544, MONDO:0004994, HP:0001638. Inheritance: Various modes of inheritance.
Hypertrophic cardiomyopathy. Also called: HYPERTROPHIC MYOCARDIOPATHY. Identifiers: Orphanet 217569, MedGen C0007194, MeSH D002312, MONDO:0005045, HP:0001639.

Allele frequency attached by ClinVar (database versions not stated): TOPMed 0.00001.

Submissions (3):

Color Diagnostics, LLC DBA Color Health
Classification: Uncertain significance for Cardiomyopathy. Last evaluated: 2025-09-11. Review status: criteria provided, single submitter. Criteria: ACMG Guidelines, 2015. Collection method: clinical testing. Allele origin: germline.
Comment: This variant changes 1 nucleotide in exon 31 of the MYH7 gene, creating a premature translation stop signal. This variant is expected to result in an absent or non-functional protein product. To our knowledge, this variant has not been reported in individuals affected with MYH7-related disorders in the literature. This variant has been identified in 1/251478 chromosomes in the general population by the Genome Aggregation Database (gnomAD). Clinical relevance of loss-of-function MYH7 truncation variants in autosomal dominant cardiovascular disorders is not clearly established. The available evidence is insufficient to determine the role of this variant in disease conclusively. Therefore, this variant is classified as a Variant of Uncertain Significance.

All of Us Research Program, National Institutes of Health
Classification: Uncertain significance for Cardiomyopathy. Last evaluated: 2023-10-02. Review status: criteria provided, single submitter. Criteria: ACMG Guidelines, 2015. Collection method: clinical testing. Allele origin: germline. Inheritance: Autosomal dominant inheritance. Observed: 1 variant allele, 1 heterozygote.
Comment: This variant changes 1 nucleotide in exon 31 of the MYH7 gene, creating a premature translation stop signal. This variant is expected to result in an absent or non-functional protein product. To our knowledge, this variant has not been reported in individuals affected with MYH7-related disorders in the literature. This variant has been identified in 1/251478 chromosomes in the general population by the Genome Aggregation Database (gnomAD). Clinical relevance of loss-of-function MYH7 truncation variants in autosomal dominant cardiovascular disorders is not clearly established. The available evidence is insufficient to determine the role of this variant in disease conclusively. Therefore, this variant is classified as a Variant of Uncertain Significance.

This study involves interpretation of variants in research participants for the purpose of population health screening. Participant phenotype was not available at the time of variant classification. Additional details can be found in publication PMID: 35346344, PMCID: PMC8962531

Labcorp Genetics (formerly Invitae), Labcorp
Classification: Uncertain significance for Hypertrophic cardiomyopathy. Last evaluated: 2023-03-23. Review status: criteria provided, single submitter. Criteria: Invitae Variant Classification Sherloc (09022015). Collection method: clinical testing. Allele origin: germline.
Comment: This sequence change creates a premature translational stop signal (p.Ser1413*) in the MYH7 gene. It is expected to result in an absent or disrupted protein product. However, the current clinical and genetic evidence is not sufficient to establish whether loss-of-function variants in MYH7 cause disease. This variant is present in population databases (no rsID available, gnomAD 0.0009%). In summary, the available evidence is currently insufficient to determine the role of this variant in disease. Therefore, it has been classified as a Variant of Uncertain Significance. ClinVar contains an entry for this variant (Variation ID: 454376). This variant has not been reported in the literature in individuals affected with MYH7-related conditions.